The following is an entry in ClinVar:

NM_020717.5(SHROOM4):c.3034T>C (p.Leu1012=)

Gene: SHROOM4 (shroom family member 4; minus strand). Cytogenetic location: Xp11.22.
Variant type: single nucleotide variant.
Coding change: c.3034T>C on transcript NM_020717.5 (MANE Select); coding-DNA position 3034, T replaced by C.
Protein change: p.Leu1012=; no amino-acid change (leucine 1012 retained).
Molecular consequence: synonymous variant. On other transcripts: non-coding transcript variant (4).
Genome position (GRCh38, 1-based): chrX:50,608,108, A>G on the plus strand (T>C on the coding strand, the complement: SHROOM4 is on the minus strand). VCF-style: chrX-50608108-A-G. GRCh37 (hg19) VCF-style: chrX-50351108-A-G.
Identifiers: ClinVar variation 3052045 (VCV003052045.3), dbSNP rs1012526566, ClinGen allele CA329152205.

ClinVar aggregate classification (germline): Likely benign. Review status: criteria provided, single submitter (1 of 4 stars). 2 submissions from 2 submitters: Likely benign (1). 1 of the submissions does not count toward it. Last evaluated 2022-11-11.

Conditions:
SHROOM4-related disorder. Also called: SHROOM4-related condition.

Allele frequency attached by ClinVar (database versions not stated): gnomAD exomes 0.00002; TOPMed 0.00002.
gnomAD v4.1: 19 of 1,211,879 alleles (0.0016%); highest among the groups gnomAD compares: Non-Finnish European, 0.0021%; no homozygotes.

Submissions (2):

Blueprint Genetics
Classification: Likely benign. Last evaluated: 2022-11-11. Review status: criteria provided, single submitter. Criteria: ACMG Guidelines, 2015. Collection method: clinical testing. Allele origin: germline.

PreventionGenetics, part of Exact Sciences
Classification: Likely benign for SHROOM4-related condition. Last evaluated: 2019-02-22. Review status: no assertion criteria provided. Collection method: clinical testing. Allele origin: germline. Not counted in ClinVar's aggregate classification.
Comment: This variant is classified as likely benign based on ACMG/AMP sequence variant interpretation guidelines (Richards et al. 2015 PMID: 25741868, with internal and published modifications).